The following is an entry in ClinVar:

ClinVar aggregate classification (germline): Uncertain significance. Review status: criteria provided, multiple submitters, no conflicts (2 of 4 stars). 2 submissions from 2 submitters: Uncertain significance (2). Last evaluated 2026-01-26.

Conditions:
Deficiency of carnitine acetyltransferase. Also called: CARNITINE ACETYLTRANSFERASE DEFICIENCY. Identifiers: MedGen C1443228, MONDO:0011642, OMIM 606175.
Neurodegeneration with brain iron accumulation 8. Identifiers: MedGen C4693587, MONDO:0054764, OMIM 617917.

Allele frequency attached by ClinVar (database versions not stated): ESP Exome Variant Server 0.00038; ExAC 0.00045; TOPMed 0.00054; 1000 Genomes Project 0.00060; gnomAD 0.00060; 1000 Genomes Project 30x 0.00062; gnomAD exomes 0.00115.
gnomAD v4.1: 1,733 of 1,614,012 alleles (0.11%); highest among the groups gnomAD compares: Non-Finnish European, 0.14%; 3 homozygotes.

Submissions (2):

Labcorp Genetics (formerly Invitae), Labcorp
Classification: Uncertain significance. Last evaluated: 2026-01-26. Review status: criteria provided, single submitter. Criteria: Invitae Variant Classification Sherloc (09022015). Collection method: clinical testing. Allele origin: germline.
Comment: This sequence change replaces phenylalanine, which is neutral and non-polar, with leucine, which is neutral and non-polar, at codon 432 of the CRAT protein (p.Phe432Leu). This variant is present in population databases (rs140551503, gnomAD 0.08%), and has an allele count higher than expected for a pathogenic variant. This variant has not been reported in the literature in individuals affected with CRAT-related conditions. ClinVar contains an entry for this variant (Variation ID: 2064924). Invitae Evidence Modeling of protein sequence and biophysical properties (such as structural, functional, and spatial information, amino acid conservation, physicochemical variation, residue mobility, and thermodynamic stability) indicates that this missense variant is not expected to disrupt CRAT protein function with a negative predictive value of 80%. In summary, the available evidence is currently insufficient to determine the role of this variant in disease. Therefore, it has been classified as a Variant of Uncertain Significance.

Ambry Genetics
Classification: Uncertain significance. Last evaluated: 2024-09-30. Review status: criteria provided, single submitter. Criteria: Ambry Variant Classification Scheme 2023. Collection method: clinical testing. Allele origin: germline.

NM_000755.5(CRAT):c.1294T>C (p.Phe432Leu)

Gene: CRAT (carnitine O-acetyltransferase; minus strand). Cytogenetic location: 9q34.11.
Variant type: single nucleotide variant.
Coding change: c.1294T>C on transcript NM_000755.5 (MANE Select); coding-DNA position 1294, T replaced by C.
Protein change: p.Phe432Leu; replaces phenylalanine 432 with leucine.
Molecular consequence: missense variant.
Genome position (GRCh38, 1-based): chr9:129,098,283, A>G on the plus strand (T>C on the coding strand, the complement: CRAT is on the minus strand). VCF-style: chr9-129098283-A-G. GRCh37 (hg19) VCF-style: chr9-131860562-A-G.
Other names: c.1231T>C, p.Phe411Leu (NM_001257363.3, NM_001346548.2, NM_004003.4); c.1297T>C, p.Phe433Leu (NM_001346546.2); c.1294T>C, p.Phe432Leu (NM_001346547.2); c.1174T>C, p.Phe392Leu (NM_001346549.2); short protein forms F392L, F432L, F433L, F411L.
Identifiers: ClinVar variation 2064924 (VCV002064924.7), dbSNP rs140551503, ClinGen allele CA5275428.